The following is an entry in ClinVar:

ClinVar aggregate classification (germline): Uncertain significance. Review status: criteria provided, multiple submitters, no conflicts (2 of 4 stars). 2 submissions from 2 submitters: Uncertain significance (2). Last evaluated 2024-01-05.

Conditions:
Inborn genetic diseases. Identifiers: MedGen C0950123, MeSH D030342.
Charcot-Marie-Tooth disease axonal type 2P. Also called: CHARCOT-MARIE-TOOTH NEUROPATHY, TYPE 2P; CHARCOT-MARIE-TOOTH DISEASE, AXONAL, TYPE 2G; CMT 2G; Charcot-Marie-Tooth Neuropathy Type 2G. Identifiers: Orphanet 300319, Orphanet 99941, MedGen C3280797, MONDO:0013753, OMIM 614436.

Submissions (2):

Ambry Genetics
Classification: Uncertain significance for Inborn genetic diseases. Last evaluated: 2024-01-05. Review status: criteria provided, single submitter. Criteria: Ambry Variant Classification Scheme 2023. Collection method: clinical testing. Allele origin: germline.
Comment: The c.766T>C (p.Y256H) alteration is located in exon 11 (coding exon 10) of the LRSAM1 gene. This alteration results from a T to C substitution at nucleotide position 766, causing the tyrosine (Y) at amino acid position 256 to be replaced by a histidine (H). This variant was not reported in population-based cohorts in the Genome Aggregation Database (gnomAD). This amino acid position is highly conserved in available vertebrate species. The in silico prediction for this alteration is inconclusive. Based on insufficient or conflicting evidence, the clinical significance of this alteration remains unclear.

Labcorp Genetics (formerly Invitae), Labcorp
Classification: Uncertain significance for Charcot-Marie-Tooth disease axonal type 2P. Last evaluated: 2021-10-18. Review status: criteria provided, single submitter. Criteria: Invitae Variant Classification Sherloc (09022015). Collection method: clinical testing. Allele origin: germline.
Comment: In summary, the available evidence is currently insufficient to determine the role of this variant in disease. Therefore, it has been classified as a Variant of Uncertain Significance. Algorithms developed to predict the effect of missense changes on protein structure and function (SIFT, PolyPhen-2, Align-GVGD) all suggest that this variant is likely to be disruptive. This variant has not been reported in the literature in individuals affected with LRSAM1-related conditions. This variant is not present in population databases (ExAC no frequency). This sequence change replaces tyrosine with histidine at codon 256 of the LRSAM1 protein (p.Tyr256His). The tyrosine residue is highly conserved and there is a moderate physicochemical difference between tyrosine and histidine.

NM_001005373.4(LRSAM1):c.766T>C (p.Tyr256His)

Gene: LRSAM1 (leucine rich repeat and sterile alpha motif containing 1; plus strand). Cytogenetic location: 9q33.3.
Variant type: single nucleotide variant.
Coding change: c.766T>C on transcript NM_001005373.4 (MANE Select); coding-DNA position 766, T replaced by C.
Protein change: p.Tyr256His; replaces tyrosine 256 with histidine.
Molecular consequence: missense variant. On other transcripts: 5 prime UTR variant (1), non-coding transcript variant (2).
Genome position (GRCh38, 1-based): chr9:127,478,949, T>C. VCF-style: chr9-127478949-T-C. GRCh37 (hg19) VCF-style: chr9-130241228-T-C.
Other names: c.766T>C, p.Tyr256His (NM_001005374.4, NM_001190723.3, NM_001384142.1 and 2 more transcripts); c.-24T>C (NM_001384144.1); c.766T>C (NM_138361.4); short protein forms Y256H.
Identifiers: ClinVar variation 1439979 (VCV001439979.7), dbSNP rs2132060933, ClinGen allele CA374930982.